The following is an entry in ClinVar:

NM_001377.3(DYNC2H1):c.11383-246A>G

Gene: DYNC2H1 (dynein cytoplasmic 2 heavy chain 1; plus strand). Cytogenetic location: 11q22.3.
Variant type: single nucleotide variant.
Coding change: c.11383-246A>G on transcript NM_001377.3 (MANE Select); 246 bases into the intron before coding-DNA position 11383, A replaced by G.
Molecular consequence: intron variant.
Genome position (GRCh38, 1-based): chr11:103,307,475, A>G. VCF-style: chr11-103307475-A-G. GRCh37 (hg19) VCF-style: chr11-103178204-A-G.
Other names: c.11404-246A>G (NM_001080463.2).
Identifiers: ClinVar variation 667758 (VCV000667758.1), dbSNP rs7103012, ClinGen allele CA227427377.
Genomic context (GRCh38, chr11:103,307,475, plus strand): 5'-TGATAGGTGCTATTATTATCCTTGTTTAGAGATGGAATAAGTCAAAGAGACCAAGGTCAC[A>G]TAGCAGATTAGTGGCAAAGTATGAATTTCAACCCAGTCAACATGACTTTAGATGGAGATT-3'

ClinVar aggregate classification (germline): Benign (1 of 4 stars; one submission).

Allele frequency attached by ClinVar (database versions not stated): 1000 Genomes Project 0.17252; 1000 Genomes Project 30x 0.17614; gnomAD 0.16391; TOPMed 0.18464.
gnomAD v4.1: 26,212 of 152,008 alleles (17%); highest among the groups gnomAD compares: Admixed American, 26%; 2,423 homozygotes.

Submission:

GeneDx
Classification: Benign. Last evaluated: 2018-06-14. Review status: criteria provided, single submitter. Criteria: GeneDx Variant Classification (06012015). Collection method: clinical testing. Allele origin: germline. Affected: yes.
Comment: This variant is considered likely benign or benign based on one or more of the following criteria: it is a conservative change, it occurs at a poorly conserved position in the protein, it is predicted to be benign by multiple in silico algorithms, and/or has population frequency not consistent with disease.